The following is an entry in ClinVar:

NM_001039591.3(USP9X):c.3110G>C (p.Arg1037Thr)

Gene: USP9X (ubiquitin specific peptidase 9 X-linked; plus strand). Cytogenetic location: Xp11.4.
Variant type: single nucleotide variant.
Coding change: c.3110G>C on transcript NM_001039591.3 (MANE Select); coding-DNA position 3110, G replaced by C.
Protein change: p.Arg1037Thr; replaces arginine 1037 with threonine.
Molecular consequence: missense variant.
Genome position (GRCh38, 1-based): chrX:41,171,920, G>C. VCF-style: chrX-41171920-G-C. GRCh37 (hg19) VCF-style: chrX-41031173-G-C.
Other names: c.3110G>C, p.Arg1037Thr (NM_001039590.3); c.3125G>C, p.Arg1042Thr (NM_001410748.1, NM_001410749.1); short protein forms R1037T, R1042T.
Identifiers: ClinVar variation 3392965 (VCV003392965.1).

ClinVar aggregate classification (germline): Uncertain significance (1 of 4 stars; one submission).

Submission:

GeneDx
Classification: Uncertain significance. Last evaluated: 2024-06-27. Review status: criteria provided, single submitter. Criteria: GeneDx Variant Classification Process June 2021. Collection method: clinical testing. Allele origin: germline. Affected: yes.
Comment: Not observed at significant frequency in large population cohorts (gnomAD); In silico analysis supports that this missense variant has a deleterious effect on protein structure/function; Has not been previously published as pathogenic or benign to our knowledge